The following is an entry in ClinVar:

NM_130384.3(ATRIP):c.1994A>G (p.Lys665Arg)

Genes: ATRIP (ATR interacting protein; plus strand), ATRIP-TREX1 (ATRIP-TREX1 readthrough; plus strand). Cytogenetic location: 3p21.31.
Variant type: single nucleotide variant.
Coding change: c.1994A>G on transcript NM_130384.3 (MANE Select); coding-DNA position 1994, A replaced by G.
Protein change: p.Lys665Arg; replaces lysine 665 with arginine.
Molecular consequence: missense variant. On other transcripts: non-coding transcript variant (1), intron variant (1).
Genome position (GRCh38, 1-based): chr3:48,464,601, A>G. VCF-style: chr3-48464601-A-G. GRCh37 (hg19) VCF-style: chr3-48506000-A-G.
Other names: c.1994A>G (NM_130384.1); c.1613A>G, p.Lys538Arg (NM_001271022.2); c.1715A>G, p.Lys572Arg (NM_001271023.2); c.1975-230A>G (NM_032166.4); short protein forms K538R, K572R, K665R.
Identifiers: ClinVar variation 2999636 (VCV002999636.4), dbSNP rs780066444, ClinGen allele CA73930194.

ClinVar aggregate classification (germline): Uncertain significance. Review status: criteria provided, multiple submitters, no conflicts (2 of 4 stars). 2 submissions from 2 submitters: Uncertain significance (2). Last evaluated 2024-11-24.

Allele frequency attached by ClinVar (database versions not stated): gnomAD exomes 0.00001; TOPMed 0.00002.
gnomAD v4.1: 4 of 1,614,152 alleles (0.00025%); highest among the groups gnomAD compares: Non-Finnish European, 0.00034%; no homozygotes.

Submissions (2):

Ambry Genetics
Classification: Uncertain significance. Last evaluated: 2024-11-24. Review status: criteria provided, single submitter. Criteria: Ambry Variant Classification Scheme 2023. Collection method: clinical testing. Allele origin: germline.
Comment: The p.K665R variant (also known as c.1994A>G), located in coding exon 11 of the ATRIP gene, results from an A to G substitution at nucleotide position 1994. The lysine at codon 665 is replaced by arginine, an amino acid with highly similar properties. This amino acid position is conserved. In addition, this alteration is predicted to be tolerated by in silico analysis. Based on the available evidence, the clinical significance of this variant remains unclear.

Labcorp Genetics (formerly Invitae), Labcorp
Classification: Uncertain significance. Last evaluated: 2023-11-01. Review status: criteria provided, single submitter. Criteria: Invitae Variant Classification Sherloc (09022015). Collection method: clinical testing. Allele origin: germline.
Comment: This sequence change replaces lysine, which is basic and polar, with arginine, which is basic and polar, at codon 665 of the ATRIP protein (p.Lys665Arg). This variant is not present in population databases (gnomAD no frequency). This variant has not been reported in the literature in individuals affected with ATRIP-related conditions. An algorithm developed to predict the effect of missense changes on protein structure and function (PolyPhen-2) suggests that this variant is likely to be disruptive. In summary, the available evidence is currently insufficient to determine the role of this variant in disease. Therefore, it has been classified as a Variant of Uncertain Significance.